The following is an entry in ClinVar:

ClinVar aggregate classification (germline): Uncertain significance. Review status: criteria provided, multiple submitters, no conflicts (2 of 4 stars). 5 submissions from 5 submitters: Uncertain significance (5). Last evaluated 2025-04-04.

Conditions:
DMXL2-related disorder. Also called: DMXL2-related condition.
Inborn genetic diseases. Identifiers: MedGen C0950123, MeSH D030342.

Allele frequency attached by ClinVar (database versions not stated): TOPMed 0.00002; ExAC 0.00003; gnomAD 0.00003.
gnomAD v4.1: 41 of 1,614,010 alleles (0.0025%); highest among the groups gnomAD compares: South Asian, 0.0055%; no homozygotes.

Submissions (5):

PreventionGenetics, part of Exact Sciences
Classification: Uncertain significance for DMXL2-related condition. Last evaluated: 2025-04-04. Review status: criteria provided, single submitter. Criteria: ACMG Guidelines, 2015. Collection method: clinical testing. Allele origin: germline.
Comment: The DMXL2 c.7111C>T variant is predicted to result in the amino acid substitution p.Arg2371Trp. To our knowledge, this variant has not been reported in the literature. This variant is reported in 0.0080% of alleles in individuals of African descent in gnomAD. At this time, the clinical significance of this variant is uncertain due to the absence of conclusive functional and genetic evidence.

GeneDx
Classification: Uncertain significance. Last evaluated: 2025-03-25. Review status: criteria provided, single submitter. Criteria: GeneDx Variant Classification Process June 2021. Collection method: clinical testing. Allele origin: germline. Affected: yes.
Comment: In silico analysis supports that this missense variant has a deleterious effect on protein structure/function; In silico analysis suggests this variant may impact gene splicing. In the absence of RNA/functional studies, the actual effect of this sequence change is unknown.; Has not been previously published as pathogenic or benign to our knowledge

Ambry Genetics
Classification: Uncertain significance for Inborn genetic diseases. Last evaluated: 2024-09-30. Review status: criteria provided, single submitter. Criteria: Ambry Variant Classification Scheme 2023. Collection method: clinical testing. Allele origin: germline.

Blueprint Genetics
Classification: Uncertain significance. Last evaluated: 2022-11-15. Review status: criteria provided, single submitter. Criteria: ACMG Guidelines, 2015. Collection method: clinical testing. Allele origin: germline.

Labcorp Genetics (formerly Invitae), Labcorp
Classification: Uncertain significance. Last evaluated: 2022-07-21. Review status: criteria provided, single submitter. Criteria: Invitae Variant Classification Sherloc (09022015). Collection method: clinical testing. Allele origin: germline.
Comment: This sequence change replaces arginine, which is basic and polar, with tryptophan, which is neutral and slightly polar, at codon 2371 of the DMXL2 protein (p.Arg2371Trp). This variant is present in population databases (rs763981971, gnomAD 0.008%). This variant has not been reported in the literature in individuals affected with DMXL2-related conditions. Algorithms developed to predict the effect of missense changes on protein structure and function are either unavailable or do not agree on the potential impact of this missense change (SIFT: "Deleterious"; PolyPhen-2: "Probably Damaging"; Align-GVGD: "Class C0"). Algorithms developed to predict the effect of sequence changes on RNA splicing suggest that this variant may create or strengthen a splice site. In summary, the available evidence is currently insufficient to determine the role of this variant in disease. Therefore, it has been classified as a Variant of Uncertain Significance.

NM_001378457.1(DMXL2):c.7111C>T (p.Arg2371Trp)

Gene: DMXL2 (Dmx like 2; minus strand). Cytogenetic location: 15q21.2.
Variant type: single nucleotide variant.
Coding change: c.7111C>T on transcript NM_001378457.1 (MANE Select); coding-DNA position 7111, C replaced by T.
Protein change: p.Arg2371Trp; replaces arginine 2371 with tryptophan.
Molecular consequence: missense variant. On other transcripts: non-coding transcript variant (2).
Genome position (GRCh38, 1-based): chr15:51,474,446, G>A on the plus strand (C>T on the coding strand, the complement: DMXL2 is on the minus strand). VCF-style: chr15-51474446-G-A. GRCh37 (hg19) VCF-style: chr15-51766643-G-A.
Other names: c.7111C>T (NM_001174116.1); c.7111C>T, p.Arg2371Trp (NM_001174116.3, NM_001378459.1, NM_001378461.1 and 1 more transcripts); c.5200C>T, p.Arg1734Trp (NM_001174117.3); c.7108C>T, p.Arg2370Trp (NM_001378458.1, NM_001378462.1, NM_015263.5); c.5089C>T, p.Arg1697Trp (NM_001378460.1); c.6868C>T, p.Arg2290Trp (NM_001378464.1); short protein forms R1697W, R1734W, R2290W, R2370W, R2371W.
Identifiers: ClinVar variation 2415413 (VCV002415413.7), dbSNP rs763981971, ClinGen allele CA7561456.